The following is an entry in ClinVar:

ClinVar aggregate classification (germline): Uncertain significance (1 of 4 stars; one submission).

Submission:

Labcorp Genetics (formerly Invitae), Labcorp
Classification: Uncertain significance. Last evaluated: 2024-05-06. Review status: criteria provided, single submitter. Criteria: Invitae Variant Classification Sherloc (09022015). Collection method: clinical testing. Allele origin: germline.
Comment: This sequence change replaces leucine, which is neutral and non-polar, with serine, which is neutral and polar, at codon 175 of the GATAD2B protein (p.Leu175Ser). This variant is not present in population databases (gnomAD no frequency). This variant has not been reported in the literature in individuals affected with GATAD2B-related conditions. Advanced modeling of protein sequence and biophysical properties (such as structural, functional, and spatial information, amino acid conservation, physicochemical variation, residue mobility, and thermodynamic stability) performed at Invitae indicates that this missense variant is not expected to disrupt GATAD2B protein function with a negative predictive value of 80%. In summary, the available evidence is currently insufficient to determine the role of this variant in disease. Therefore, it has been classified as a Variant of Uncertain Significance.

NM_020699.4(GATAD2B):c.524T>C (p.Leu175Ser)

Gene: GATAD2B (GATA zinc finger domain containing 2B; minus strand). Cytogenetic location: 1q21.3.
Variant type: single nucleotide variant.
Coding change: c.524T>C on transcript NM_020699.4 (MANE Select); coding-DNA position 524, T replaced by C.
Protein change: p.Leu175Ser; replaces leucine 175 with serine.
Molecular consequence: missense variant.
Genome position (GRCh38, 1-based): chr1:153,818,864, A>G on the plus strand (T>C on the coding strand, the complement: GATAD2B is on the minus strand). VCF-style: chr1-153818864-A-G. GRCh37 (hg19) VCF-style: chr1-153791340-A-G.
Other names: short protein forms L175S.
Identifiers: ClinVar variation 3652352 (VCV003652352.2).